The following is an entry in ClinVar:

NM_005591.4(MRE11):c.1074A>G (p.Pro358=)

Gene: MRE11 (MRE11 double strand break repair nuclease; minus strand). Cytogenetic location: 11q21.
Variant type: single nucleotide variant.
Coding change: c.1074A>G on transcript NM_005591.4 (MANE Select); coding-DNA position 1074, A replaced by G.
Protein change: p.Pro358=; no amino-acid change (proline 358 retained).
Molecular consequence: synonymous variant.
Genome position (GRCh38, 1-based): chr11:94,467,837, T>C on the plus strand (A>G on the coding strand, the complement: MRE11 is on the minus strand). VCF-style: chr11-94467837-T-C. GRCh37 (hg19) VCF-style: chr11-94201003-T-C.
Other names: c.1074A>G, p.Pro358= (NM_001330347.2, NM_005590.4); c.1074A>G (NM_001330347.1).
Identifiers: ClinVar variation 232700 (VCV000232700.22), dbSNP rs876659934, ClinGen allele CA10579392.
Genomic context (GRCh38, chr11:94,467,837, plus strand): 5'-AATTAATAATATTCAATCTATATAAATAGGACTTACTCGCAGTCGTACAAGAGGCTTCTC[T>C]GGCTGGTGAGAATTACCCAGACGTTCCCGTTCAGCATTTTCAAGCATTTCTTCAATCTCA-3'
Protein context (NP_005582.1, residues 348-368): ERERLGNSHQ[Pro358=]EKPLVRLRVD

ClinVar aggregate classification (germline): Conflicting classifications of pathogenicity. Review status: criteria provided, conflicting classifications (1 of 4 stars). 5 submissions from 5 submitters: Uncertain significance (2); Likely benign (2). 1 of the submissions does not count toward it. Last evaluated 2025-12-03.

Conditions:
MRE11-related disorder. Also called: MRE11-related condition.
Ataxia-telangiectasia-like disorder (ATLD). Identifiers: MedGen C1858391, MONDO:0011457.
Ataxia-telangiectasia-like disorder 1 (ATLD1). Identifiers: Orphanet 251347, MedGen C4012790, MONDO:0024557, OMIM 604391.
Hereditary cancer-predisposing syndrome. Also called: Neoplastic Syndromes, Hereditary; Tumor predisposition; Hereditary Cancer Syndrome; Hereditary neoplastic syndrome. Identifiers: Orphanet 140162, MedGen C0027672, MeSH D009386, MONDO:0015356.

Allele frequency attached by ClinVar (database versions not stated): gnomAD 0.00001; gnomAD exomes 0.00001; TOPMed 0.00002.
gnomAD v4.1: 9 of 1,613,506 alleles (0.00056%); highest among the groups gnomAD compares: Non-Finnish European, 0.00076%; no homozygotes.

Submissions (5):

Labcorp Genetics (formerly Invitae), Labcorp
Classification: Likely benign for Ataxia-telangiectasia-like disorder. Last evaluated: 2025-12-03. Review status: criteria provided, single submitter. Criteria: Invitae Variant Classification Sherloc (09022015). Collection method: clinical testing. Allele origin: germline.

Institute for Clinical Genetics, University Hospital TU Dresden, University Hospital TU Dresden
Classification: Uncertain significance. Last evaluated: 2021-11-03. Review status: criteria provided, single submitter. Criteria: ACMG Guidelines, 2015. Collection method: clinical testing. Allele origin: germline.

Revvity Omics, Revvity
Classification: Uncertain significance for Ataxia-telangiectasia-like disorder 1. Last evaluated: 2019-09-09. Review status: criteria provided, single submitter. Criteria: ACMG Guidelines, 2015. Collection method: clinical testing. Allele origin: germline.

Ambry Genetics
Classification: Likely benign for Hereditary cancer-predisposing syndrome. Last evaluated: 2015-06-29. Review status: criteria provided, single submitter. Criteria: Ambry Variant Classification Scheme 2023. Collection method: clinical testing. Allele origin: germline.

PreventionGenetics, part of Exact Sciences
Classification: Likely benign for MRE11-related condition. Last evaluated: 2020-12-15. Review status: no assertion criteria provided. Collection method: clinical testing. Allele origin: germline. Not counted in ClinVar's aggregate classification.
Comment: This variant is classified as likely benign based on ACMG/AMP sequence variant interpretation guidelines (Richards et al. 2015 PMID: 25741868, with internal and published modifications).